The following is an entry in ClinVar:

ClinVar aggregate classification (germline): Uncertain significance. Review status: criteria provided, multiple submitters, no conflicts (2 of 4 stars). 3 submissions from 3 submitters: Uncertain significance (3). Last evaluated 2022-07-19.

Conditions:
Inborn genetic diseases. Identifiers: MedGen C0950123, MeSH D030342.
Connective tissue disorder. Also called: Connective tissue disease. Identifiers: MedGen C0009782, MONDO:0003900.

Allele frequency attached by ClinVar (database versions not stated): gnomAD 0.00001.

Submissions (3):

Labcorp Genetics (formerly Invitae), Labcorp
Classification: Uncertain significance. Last evaluated: 2022-07-19. Review status: criteria provided, single submitter. Criteria: Invitae Variant Classification Sherloc (09022015). Collection method: clinical testing. Allele origin: germline.
Comment: In summary, the available evidence is currently insufficient to determine the role of this variant in disease. Therefore, it has been classified as a Variant of Uncertain Significance. Advanced modeling of protein sequence and biophysical properties (such as structural, functional, and spatial information, amino acid conservation, physicochemical variation, residue mobility, and thermodynamic stability) performed at Invitae indicates that this missense variant is expected to disrupt COMP protein function. ClinVar contains an entry for this variant (Variation ID: 1497620). This variant has not been reported in the literature in individuals affected with COMP-related conditions. This variant is present in population databases (rs747106682, gnomAD 0.004%). This sequence change replaces serine, which is neutral and polar, with cysteine, which is neutral and slightly polar, at codon 444 of the COMP protein (p.Ser444Cys).

Ambry Genetics
Classification: Uncertain significance for Inborn genetic diseases. Last evaluated: 2021-08-09. Review status: criteria provided, single submitter. Criteria: Ambry Variant Classification Scheme 2023. Collection method: clinical testing. Allele origin: germline.

Genome Diagnostics Laboratory, The Hospital for Sick Children
Classification: Uncertain significance for Connective tissue disorder. Last evaluated: 2020-03-01. Review status: criteria provided, single submitter. Criteria: ACMG Guidelines, 2015. Collection method: clinical testing. Allele origin: germline.

NM_000095.3(COMP):c.1331C>G (p.Ser444Cys)

Gene: COMP (cartilage oligomeric matrix protein; minus strand). Cytogenetic location: 19p13.11.
Variant type: single nucleotide variant.
Coding change: c.1331C>G on transcript NM_000095.3 (MANE Select); coding-DNA position 1331, C replaced by G.
Protein change: p.Ser444Cys; replaces serine 444 with cysteine.
Molecular consequence: missense variant.
Genome position (GRCh38, 1-based): chr19:18,786,123, G>C on the plus strand (C>G on the coding strand, the complement: COMP is on the minus strand). VCF-style: chr19-18786123-G-C. GRCh37 (hg19) VCF-style: chr19-18896933-G-C.
Other names: short protein forms S444C.
Identifiers: ClinVar variation 1497620 (VCV001497620.10), dbSNP rs747106682, ClinGen allele CA9316436.